The following is an entry in ClinVar:

NM_144643.4(SCLT1):c.663C>G (p.Ile221Met)

Gene: SCLT1 (sodium channel and clathrin linker 1; minus strand). Cytogenetic location: 4q28.2.
Variant type: single nucleotide variant.
Coding change: c.663C>G on transcript NM_144643.4 (MANE Select); coding-DNA position 663, C replaced by G.
Protein change: p.Ile221Met; replaces isoleucine 221 with methionine.
Molecular consequence: missense variant.
Genome position (GRCh38, 1-based): chr4:128,992,190, G>C on the plus strand (C>G on the coding strand, the complement: SCLT1 is on the minus strand). VCF-style: chr4-128992190-G-C. GRCh37 (hg19) VCF-style: chr4-129913345-G-C.
Other names: c.663C>G (NM_144643.3); short protein forms I221M.
Identifiers: ClinVar variation 1378596 (VCV001378596.4), dbSNP rs13151322, ClinGen allele CA3079857.

ClinVar aggregate classification (germline): Uncertain significance. Review status: criteria provided, single submitter (1 of 4 stars). 2 submissions from 2 submitters: Uncertain significance (1). 1 of the submissions does not count toward it. Last evaluated 2022-09-01.

Conditions:
SCLT1-related disorder. Also called: SCLT1-related condition.

Allele frequency attached by ClinVar (database versions not stated): 1000 Genomes Project 30x 0.00031.
gnomAD v4.1: 32 of 1,592,664 alleles (0.002%); highest among the groups gnomAD compares: Admixed American, 0.056%; no homozygotes.

Submissions (2):

Labcorp Genetics (formerly Invitae), Labcorp
Classification: Uncertain significance. Last evaluated: 2022-09-01. Review status: criteria provided, single submitter. Criteria: Invitae Variant Classification Sherloc (09022015). Collection method: clinical testing. Allele origin: germline.
Comment: This sequence change replaces isoleucine, which is neutral and non-polar, with methionine, which is neutral and non-polar, at codon 221 of the SCLT1 protein (p.Ile221Met). This variant is present in population databases (rs13151322, gnomAD 0.07%). This variant has not been reported in the literature in individuals affected with SCLT1-related conditions. ClinVar contains an entry for this variant (Variation ID: 1378596). Algorithms developed to predict the effect of missense changes on protein structure and function output the following: SIFT: "Tolerated"; PolyPhen-2: "Benign"; Align-GVGD: "Class C0". The methionine amino acid residue is found in multiple mammalian species, which suggests that this missense change does not adversely affect protein function. In summary, the available evidence is currently insufficient to determine the role of this variant in disease. Therefore, it has been classified as a Variant of Uncertain Significance.

PreventionGenetics, part of Exact Sciences
Classification: Uncertain significance for SCLT1-related condition. Last evaluated: 2024-09-05. Review status: no assertion criteria provided. Collection method: clinical testing. Allele origin: germline. Not counted in ClinVar's aggregate classification.
Comment: The SCLT1 c.663C>G variant is predicted to result in the amino acid substitution p.Ile221Met. To our knowledge, this variant has not been reported in the literature. This variant is reported in 0.069% of alleles in individuals of Latino descent in gnomAD, which is likely too common for an undocumented disease-causing variant. Although we suspect that this variant may be benign, at this time, the clinical significance of this variant is uncertain due to the absence of conclusive functional and genetic evidence.